The following is an entry in ClinVar:

NM_001352514.2(HLCS):c.687del (p.Ser230fs)

Gene: HLCS (holocarboxylase synthetase; minus strand). Cytogenetic location: 21q22.13.
Variant type: Deletion.
Coding change: c.687del on transcript NM_001352514.2 (MANE Select); coding-DNA position 687, one base deleted (G; older notation c.687delG).
Protein change: p.Ser230fs; shifts the reading frame from serine 230.
Molecular consequence: frameshift variant. On other transcripts: non-coding transcript variant (2).
Genome position (GRCh38, 1-based): chr21:36,937,199, C deleted on the plus strand (G on the coding strand, the reverse complement: HLCS is on the minus strand); the first of 3 consecutive C bases (chr21:36,937,199-36,937,201); deleting any one gives the same sequence. VCF-style (leftmost placement, unchanged base first): chr21-36937198-TC-T. GRCh37 (hg19) VCF-style: chr21-38309498-TC-T.
Other names: c.246del, p.Ser83fs (NM_000411.8, NM_001242784.3, NM_001242785.2 and 4 more transcripts); short protein forms S230fs, S83fs.
Identifiers: ClinVar variation 2671768 (VCV002671768.2), dbSNP rs2517582025, ClinGen allele CA2695201451.

ClinVar aggregate classification (germline): Pathogenic/Likely pathogenic. Review status: criteria provided, multiple submitters, no conflicts (2 of 4 stars). 2 submissions from 2 submitters: Pathogenic (1); Likely pathogenic (1). Last evaluated 2024-01-02.

Conditions:
Holocarboxylase synthetase deficiency. Also called: MULTIPLE CARBOXYLASE DEFICIENCY, EARLY ONSET. Identifiers: Orphanet 79242, MedGen C0268581, MONDO:0009666, OMIM 253270.

Submissions (2):

Myriad Genetics, Inc.
Classification: Pathogenic for Holocarboxylase synthetase deficiency. Last evaluated: 2024-01-02. Review status: criteria provided, single submitter. Criteria: Myriad Autosomal Dominant, Autosomal Recessive and X-Linked Classification Criteria (2023). Collection method: clinical testing. Allele origin: unknown.
Comment: NM_000411.6(HLCS):c.246delG(S83Vfs*175) is expected to be pathogenic in the context of holocarboxylase synthetase deficiency. This variant is predicted to lead to an abnormal or absent protein product due to the creation of a premature termination codon in HLCS, a gene where loss-of-function variants are known to be pathogenic. Please note: this variant was assessed in the context of healthy population screening.

Neuberg Centre For Genomic Medicine, NCGM
Classification: Likely pathogenic for Holocarboxylase synthetase deficiency. Last evaluated: 2023-02-14. Review status: criteria provided, single submitter. Criteria: ACMG Guidelines, 2015. Collection method: clinical testing. Allele origin: germline. Inheritance: Autosomal recessive inheritance. Affected: yes.
Comment: The frame shift c.687del (p.Ser230ValfsTer175) variant in HLCS gene has not been reported previously as a pathogenic variant nor as a benign variant, to our knowledge. The p.Ser230ValfsTer175 variant is novel (not in any individuals) in gnomAD Exomes and 1000 Genomes. This variant has not been reported to the ClinVar database. This variant causes a frameshift starting with codon Serine 230, changes this amino acid to Valine residue, and creates a premature Stop codon at position 175 of the new reading frame, denoted p.Ser230ValfsTer175. This variant is predicted to cause loss of normal protein function through protein truncation. Loss of function variants have been previously reported to be disease causing. For these reasons, this variant has been classified as Likely Pathogenic.